The following is an entry in ClinVar:

ClinVar aggregate classification (germline): Uncertain significance (1 of 4 stars; one submission).

gnomAD v4.1: 19 of 1,606,088 alleles (0.0012%); highest among the groups gnomAD compares: Non-Finnish European, 0.0016%; no homozygotes.

Submission:

Labcorp Genetics (formerly Invitae), Labcorp
Classification: Uncertain significance. Last evaluated: 2022-01-15. Review status: criteria provided, single submitter. Criteria: Invitae Variant Classification Sherloc (09022015). Collection method: clinical testing. Allele origin: germline.
Comment: This sequence change replaces glutamine, which is neutral and polar, with histidine, which is basic and polar, at codon 523 of the PCLO protein (p.Gln523His). This variant is present in population databases (no rsID available, gnomAD 0.002%). This variant has not been reported in the literature in individuals affected with PCLO-related conditions. Algorithms developed to predict the effect of missense changes on protein structure and function are either unavailable or do not agree on the potential impact of this missense change (SIFT: "Deleterious"; PolyPhen-2: "Benign"; Align-GVGD: "Class C0"). In summary, the available evidence is currently insufficient to determine the role of this variant in disease. Therefore, it has been classified as a Variant of Uncertain Significance.

NM_033026.6(PCLO):c.1569G>T (p.Gln523His)

Gene: PCLO (piccolo presynaptic cytomatrix protein; minus strand). Cytogenetic location: 7q21.11.
Variant type: single nucleotide variant.
Coding change: c.1569G>T on transcript NM_033026.6 (MANE Select); coding-DNA position 1569, G replaced by T.
Protein change: p.Gln523His; replaces glutamine 523 with histidine.
Molecular consequence: missense variant.
Genome position (GRCh38, 1-based): chr7:83,155,072, C>A on the plus strand (G>T on the coding strand, the complement: PCLO is on the minus strand). VCF-style: chr7-83155072-C-A. GRCh37 (hg19) VCF-style: chr7-82784388-C-A.
Other names: c.1569G>T, p.Gln523His (NM_014510.3); short protein forms Q523H.
Identifiers: ClinVar variation 1405002 (VCV001405002.5), dbSNP rs371174942, ClinGen allele CA161190844.